The following is an entry in ClinVar:

NM_001458.5(FLNC):c.7893CTC[1] (p.Ser2633del)

Genes: FLNC (filamin C; plus strand), FLNC-AS1 (FLNC antisense RNA 1; minus strand). Cytogenetic location: 7q32.1.
Variant type: Microsatellite.
Coding change: c.7893CTC[1] on transcript NM_001458.5 (MANE Select); one copy of the 3-base unit CTC starting at c.7893; the reference has two copies in a row; one copy, 3 bases deleted; also written c.7896_7898del.
Protein change: p.Ser2633del; deletes serine 2633.
Molecular consequence: inframe deletion.
Genome position (GRCh38, 1-based): chr7:128,858,123-128,858,125, CTC deleted; deleting any 3 consecutive bases within chr7:128,858,120-128,858,125 gives the same sequence; the position shown is the placement nearest the transcript's 3' end. VCF-style (leftmost placement, unchanged base first): chr7-128858119-TCTC-T. GRCh37 (hg19) VCF-style: chr7-128498173-TCTC-T.
Other names: c.7794CTC[1], p.Ser2600del (NM_001127487.2); c.7896_7898del (NM_001458.4); short protein forms S2600del, S2633del.
Identifiers: ClinVar variation 835906 (VCV000835906.8), dbSNP rs767277303, ClinGen allele CA4476378.
Genomic context (GRCh38, chr7:128,858,119, plus strand): 5'-TGGAGACTGTGACCAAGTCCTCCTCAAGCCGGGGCTCCAGCTACAGCTCCATCCCCAAGT[TCTC>T]CTCAGATGCCAGCAAGGTGGTGACTCGGGGCCCTGGGCTGTCCCAGGCCTTCGTGGGCCA-3'

ClinVar aggregate classification (germline): Uncertain significance. Review status: criteria provided, multiple submitters, no conflicts (2 of 4 stars). 2 submissions from 2 submitters: Uncertain significance (2). Last evaluated 2024-07-31.

Conditions:
Myofibrillar myopathy 5. Also called: FILAMINOPATHY, AUTOSOMAL DOMINANT; Filaminopathy (type). Identifiers: Orphanet 171445, MedGen C1836050, MONDO:0012289, OMIM 609524.
Distal myopathy with posterior leg and anterior hand involvement. Also called: WILLIAMS DISTAL MYOPATHY. Identifiers: Orphanet 63273, MedGen C3279722, MONDO:0013550, OMIM 614065.
Hypertrophic cardiomyopathy 26. Also called: Cardiomyopathy, familial hypertrophic, 26. Identifiers: Orphanet 75249, MedGen C4310749, MONDO:0014883, OMIM 617047.
Dilated Cardiomyopathy, Dominant.

Submissions (2):

GeneDx
Classification: Uncertain significance. Last evaluated: 2024-07-31. Review status: criteria provided, single submitter. Criteria: GeneDx Variant Classification Process June 2021. Collection method: clinical testing. Allele origin: germline. Affected: yes.
Comment: Has not been previously published as pathogenic or benign to our knowledge; Not observed at significant frequency in large population cohorts (gnomAD); In silico analysis supports a deleterious effect on protein structure/function

Labcorp Genetics (formerly Invitae), Labcorp
Classification: Uncertain significance for Distal myopathy with posterior leg and anterior hand involvement; Myofibrillar myopathy 5; Hypertrophic cardiomyopathy 26. Last evaluated: 2023-11-15. Review status: criteria provided, single submitter. Criteria: Invitae Variant Classification Sherloc (09022015). Collection method: clinical testing. Allele origin: germline.
Comment: This variant, c.7896_7898del, results in the deletion of 1 amino acid(s) of the FLNC protein (p.Ser2633del), but otherwise preserves the integrity of the reading frame. This variant is present in population databases (rs767277303, gnomAD 0.009%). This variant has not been reported in the literature in individuals affected with FLNC-related conditions. ClinVar contains an entry for this variant (Variation ID: 835906). Experimental studies and prediction algorithms are not available or were not evaluated, and the functional significance of this variant is currently unknown. In summary, the available evidence is currently insufficient to determine the role of this variant in disease. Therefore, it has been classified as a Variant of Uncertain Significance.